The following is an entry in ClinVar:

ClinVar aggregate classification (germline): Pathogenic (1 of 4 stars; one submission).

Conditions:
Arrhythmogenic right ventricular dysplasia 9 (ARVD9). Also called: Arrhythmogenic Right Ventricular Dysplasia/Cardiomyopathy 9; ARRHYTHMOGENIC RIGHT VENTRICULAR DYSPLASIA, FAMILIAL, 9. Identifiers: MedGen C1836906, MONDO:0012180, OMIM 609040.

Submission:

Labcorp Genetics (formerly Invitae), Labcorp
Classification: Pathogenic for Arrhythmogenic right ventricular dysplasia 9. Last evaluated: 2024-01-18. Review status: criteria provided, single submitter. Criteria: Invitae Variant Classification Sherloc (09022015). Collection method: clinical testing. Allele origin: germline.
Comment: This variant is a gross deletion of the genomic region encompassing exon(s) 4 of the PKP2 gene. This deletion is out-of-frame, and is expected to create a premature termination codon and result in an absent or disrupted protein product. Loss-of-function variants in PKP2 are known to be pathogenic (PMID: 15489853, 23911551). A similar copy number variant has been observed in individual(s) with arrythmogenic cardiomyopathy (PMID: 29038103). For these reasons, this variant has been classified as Pathogenic.

Literature cited by the submitters: PubMed 15489853; PubMed 23911551; PubMed 29038103.

NC_000012.11:g.(?_33021841)_(33022016_?)del

Gene: PKP2 (plakophilin 2; minus strand). Cytogenetic location: 12p11.21.
Variant type: Deletion.
Identifiers: ClinVar variation 1459973 (VCV001459973.5).